The following is an entry in ClinVar:

NM_000179.3(MSH6):c.3387T>G (p.Cys1129Trp)

Gene: MSH6 (mutS homolog 6; plus strand). Cytogenetic location: 2p16.3.
Variant type: single nucleotide variant.
Coding change: c.3387T>G on transcript NM_000179.3 (MANE Select); coding-DNA position 3387, T replaced by G.
Protein change: p.Cys1129Trp; replaces cysteine 1129 with tryptophan.
Molecular consequence: missense variant.
Genome position (GRCh38, 1-based): chr2:47,803,634, T>G. VCF-style: chr2-47803634-T-G. GRCh37 (hg19) VCF-style: chr2-48030773-T-G.
Other names: c.2997T>G, p.Cys999Trp (NM_001281492.2); c.2481T>G, p.Cys827Trp (NM_001281493.2, NM_001281494.2); short protein forms C1129W, C999W, C827W.
Identifiers: ClinVar variation 1374926 (VCV001374926.10), dbSNP rs2104483879, ClinGen allele CA346758839.

ClinVar aggregate classification (germline): Uncertain significance. Review status: criteria provided, multiple submitters, no conflicts (2 of 4 stars). 2 submissions from 2 submitters: Uncertain significance (2). Last evaluated 2021-08-12.

Conditions:
Hereditary nonpolyposis colorectal neoplasms. Identifiers: MedGen C0009405, MeSH D003123.
Hereditary cancer-predisposing syndrome. Also called: Neoplastic Syndromes, Hereditary; Hereditary Cancer Syndrome; Tumor predisposition; Hereditary neoplastic syndrome. Identifiers: Orphanet 140162, MedGen C0027672, MeSH D009386, MONDO:0015356.

Submissions (2):

Labcorp Genetics (formerly Invitae), Labcorp
Classification: Uncertain significance for Hereditary nonpolyposis colorectal neoplasms. Last evaluated: 2021-08-12. Review status: criteria provided, single submitter. Criteria: Invitae Variant Classification Sherloc (09022015). Collection method: clinical testing. Allele origin: germline.
Comment: In summary, the available evidence is currently insufficient to determine the role of this variant in disease. Therefore, it has been classified as a Variant of Uncertain Significance. Algorithms developed to predict the effect of missense changes on protein structure and function are either unavailable or do not agree on the potential impact of this missense change (SIFT: "Deleterious"; PolyPhen-2: "Probably Damaging"; Align-GVGD: "Class C0"). This variant has not been reported in the literature in individuals affected with MSH6-related conditions. This variant is not present in population databases (ExAC no frequency). This sequence change replaces cysteine with tryptophan at codon 1129 of the MSH6 protein (p.Cys1129Trp). The cysteine residue is highly conserved and there is a large physicochemical difference between cysteine and tryptophan.

Ambry Genetics
Classification: Uncertain significance for Hereditary cancer-predisposing syndrome. Last evaluated: 2020-12-10. Review status: criteria provided, single submitter. Criteria: Ambry Variant Classification Scheme 2023. Collection method: clinical testing. Allele origin: germline.
Comment: The p.C1129W variant (also known as c.3387T>G), located in coding exon 5 of the MSH6 gene, results from a T to G substitution at nucleotide position 3387. The cysteine at codon 1129 is replaced by tryptophan, an amino acid with highly dissimilar properties. This amino acid position is highly conserved in available vertebrate species. In addition, this alteration is predicted to be deleterious by in silico analysis. Since supporting evidence is limited at this time, the clinical significance of this alteration remains unclear.